The following is an entry in ClinVar:

ClinVar aggregate classification (germline): Uncertain significance (1 of 4 stars; one submission).

Conditions:
Cardiovascular phenotype. Identifiers: MedGen CN230736.

Submission:

Ambry Genetics
Classification: Uncertain significance for Cardiovascular phenotype. Last evaluated: 2025-10-29. Review status: criteria provided, single submitter. Criteria: Ambry Variant Classification Scheme 2023. Collection method: clinical testing. Allele origin: germline.
Comment: The p.P301A variant (also known as c.901C>G), located in coding exon 7 of the LDB3 gene, results from a C to G substitution at nucleotide position 901. The proline at codon 301 is replaced by alanine, an amino acid with highly similar properties. This amino acid position is conserved. In addition, this alteration is predicted to be tolerated by in silico analysis. Based on the available evidence, the clinical significance of this variant remains unclear.

NM_007078.3(LDB3):c.901C>G (p.Pro301Ala)

Gene: LDB3 (LIM domain binding 3; plus strand). Cytogenetic location: 10q23.2.
Variant type: single nucleotide variant.
Coding change: c.901C>G on transcript NM_007078.3 (MANE Select); coding-DNA position 901, C replaced by G.
Protein change: p.Pro301Ala; replaces proline 301 with alanine.
Molecular consequence: missense variant. On other transcripts: intron variant (4).
Genome position (GRCh38, 1-based): chr10:86,706,535, C>G. VCF-style: chr10-86706535-C-G. GRCh37 (hg19) VCF-style: chr10-88466292-C-G.
Other names: c.760C>G, p.Pro254Ala (NM_001368066.1); c.897-3370C>G (NM_001368064.1, NM_001368065.1); c.1101-3370C>G (NM_001171610.2); c.756-3370C>G (NM_001080114.2); short protein forms P301A, P254A.
Identifiers: ClinVar variation 4614494 (VCV004614494.1).